The following is an entry in ClinVar:

NM_001018115.3(FANCD2):c.605T>C (p.Ile202Thr)

Genes: FANCD2 (FA complementation group D2; plus strand), LOC107303338 (3p25 FANCD2 Alu-mediated recombination region; plus strand). Cytogenetic location: 3p25.3.
Variant type: single nucleotide variant.
Coding change: c.605T>C on transcript NM_001018115.3 (MANE Select); coding-DNA position 605, T replaced by C.
Protein change: p.Ile202Thr; replaces isoleucine 202 with threonine.
Molecular consequence: missense variant.
Genome position (GRCh38, 1-based): chr3:10,039,755, T>C. VCF-style: chr3-10039755-T-C. GRCh37 (hg19) VCF-style: chr3-10081439-T-C.
Other names: c.605T>C, p.Ile202Thr (NM_001319984.2, NM_001374253.1, NM_001374254.1 and 2 more transcripts); short protein forms I202T.
Identifiers: ClinVar variation 1047033 (VCV001047033.7), dbSNP rs751126921, ClinGen allele CA2249285.

ClinVar aggregate classification (germline): Uncertain significance. Review status: criteria provided, multiple submitters, no conflicts (2 of 4 stars). 2 submissions from 2 submitters: Uncertain significance (2). Last evaluated 2021-08-20.

Conditions:
Fanconi anemia complementation group D2. Also called: FANCD2-Related Fanconi Anemia; FANCONI PANCYTOPENIA, TYPE 4; FANCONI ANEMIA, COMPLEMENTATION GROUP D. Identifiers: Orphanet 84, MedGen C3160738, MONDO:0009214, OMIM 227646.
Fanconi anemia (FA). Also called: Fanconi's anemia. Identifiers: Orphanet 84, MedGen C0015625, MeSH D005199, MONDO:0019391.

Allele frequency attached by ClinVar (database versions not stated): ExAC 0.00001; gnomAD exomes 0.00001 and 0.00007; TOPMed 0.00001; gnomAD 0.00002.
gnomAD v4.1: 102 of 1,613,890 alleles (0.0063%); highest among the groups gnomAD compares: Non-Finnish European, 0.0086%; no homozygotes.

Submissions (2):

Labcorp Genetics (formerly Invitae), Labcorp
Classification: Uncertain significance for Fanconi anemia. Last evaluated: 2021-08-20. Review status: criteria provided, single submitter. Criteria: Invitae Variant Classification Sherloc (09022015). Collection method: clinical testing. Allele origin: germline.
Comment: This sequence change replaces isoleucine with threonine at codon 202 of the FANCD2 protein (p.Ile202Thr). The isoleucine residue is weakly conserved and there is a moderate physicochemical difference between isoleucine and threonine. This variant is present in population databases (rs751126921, ExAC 0.001%). This variant has not been reported in the literature in individuals affected with FANCD2-related conditions. Algorithms developed to predict the effect of missense changes on protein structure and function (SIFT, PolyPhen-2, Align-GVGD) all suggest that this variant is likely to be tolerated. In summary, the available evidence is currently insufficient to determine the role of this variant in disease. Therefore, it has been classified as a Variant of Uncertain Significance.

Baylor Genetics
Classification: Uncertain significance for Fanconi anemia complementation group D2. Last evaluated: 2021-03-02. Review status: criteria provided, single submitter. Criteria: ACMG Guidelines, 2015. Collection method: clinical testing. Allele origin: unknown. Affected: yes. Study: CSER-TexasKidsCanSeq.
Comment: This variant was determined to be of uncertain significance according to ACMG Guidelines, 2015 [PMID:25741868].